The following is an entry in ClinVar:

ClinVar aggregate classification (germline): Uncertain significance (1 of 4 stars; one submission).

gnomAD v4.1: 1 of 1,592,958 alleles (0.000063%); highest among the groups gnomAD compares: Non-Finnish European, 0.000085%; no homozygotes.

Submission:

GeneDx
Classification: Uncertain significance. Last evaluated: 2017-08-16. Review status: criteria provided, single submitter. Criteria: GeneDx Variant Classification (06012015). Collection method: clinical testing. Allele origin: germline. Affected: yes.
Comment: The E1041G variant has not been published as a pathogenic variant, nor has it been reported as a benign variant to our knowledge. The E1041G variant is not observed in large population cohorts (Lek et al., 2016; 1000 Genomes Consortium et al., 2015; Exome Variant Server). This variant is a non-conservative amino acid substitution, which is likely to impact secondary protein structure as these residues differ in polarity, charge, size and/or other properties. Additionally, in silico analysis predicts this variant is probably damaging to the protein structure/function. However, most reported pathogenic variants in the PLEC gene are truncating/loss-of-function. This substitution occurs at a position where amino acids with similar properties to Glutamic acid are tolerated across species.

NM_201384.3(PLEC):c.3041A>G (p.Glu1014Gly)

Gene: PLEC (plectin; minus strand). Cytogenetic location: 8q24.3.
Variant type: single nucleotide variant.
Coding change: c.3041A>G on transcript NM_201384.3 (MANE Select); coding-DNA position 3041, A replaced by G.
Protein change: p.Glu1014Gly; replaces glutamic acid 1014 with glycine.
Molecular consequence: missense variant.
Genome position (GRCh38, 1-based): chr8:143,929,454, T>C on the plus strand (A>G on the coding strand, the complement: PLEC is on the minus strand). VCF-style: chr8-143929454-T-C. GRCh37 (hg19) VCF-style: chr8-145003622-T-C.
Other names: c.3122A>G, p.Glu1041Gly (NM_000445.5); c.2999A>G, p.Glu1000Gly (NM_201378.4); c.2975A>G, p.Glu992Gly (NM_201379.3); c.3452A>G, p.Glu1151Gly (NM_201380.4); c.2945A>G, p.Glu982Gly (NM_201381.3); c.3041A>G, p.Glu1014Gly (NM_201382.4); c.3053A>G, p.Glu1018Gly (NM_201383.3); short protein forms E1000G, E1014G, E1018G, E1041G, E1151G, E982G, E992G.
Identifiers: ClinVar variation 451453 (VCV000451453.2), dbSNP rs1554710940, ClinGen allele CA372569631.